The following is an entry in ClinVar:

NM_021072.4(HCN1):c.260C>G (p.Pro87Arg)

Gene: HCN1 (hyperpolarization activated cyclic nucleotide gated potassium channel 1; minus strand). Cytogenetic location: 5p12.
Variant type: single nucleotide variant.
Coding change: c.260C>G on transcript NM_021072.4 (MANE Select); coding-DNA position 260, C replaced by G.
Protein change: p.Pro87Arg; replaces proline 87 with arginine.
Molecular consequence: missense variant.
Genome position (GRCh38, 1-based): chr5:45,695,834, G>C on the plus strand (C>G on the coding strand, the complement: HCN1 is on the minus strand). VCF-style: chr5-45695834-G-C. GRCh37 (hg19) VCF-style: chr5-45695936-G-C.
Other names: short protein forms P87R.
Identifiers: ClinVar variation 4747458 (VCV004747458.1).

ClinVar aggregate classification (germline): Uncertain significance (1 of 4 stars; one submission).

Conditions:
Early-infantile DEE. Also called: Ohtahara syndrome; Early infantile epileptic encephalopathy with suppression bursts; Early infantile epileptic encephalopathy. Identifiers: Orphanet 1934, MedGen C0393706, MONDO:0800491.

Submission:

Labcorp Genetics (formerly Invitae), Labcorp
Classification: Uncertain significance for Early-infantile DEE. Last evaluated: 2025-06-24. Review status: criteria provided, single submitter. Criteria: Invitae Variant Classification Sherloc (09022015). Collection method: clinical testing. Allele origin: germline.
Comment: This sequence change replaces proline, which is neutral and non-polar, with arginine, which is basic and polar, at codon 87 of the HCN1 protein (p.Pro87Arg). This variant is not present in population databases (gnomAD no frequency). This variant has not been reported in the literature in individuals affected with HCN1-related conditions. Invitae Evidence Modeling of protein sequence and biophysical properties (such as structural, functional, and spatial information, amino acid conservation, physicochemical variation, residue mobility, and thermodynamic stability) indicates that this missense variant is not expected to disrupt HCN1 protein function with a negative predictive value of 95%. In summary, the available evidence is currently insufficient to determine the role of this variant in disease. Therefore, it has been classified as a Variant of Uncertain Significance.